The following is an entry in ClinVar:

ClinVar aggregate classification (germline): Uncertain significance. Review status: criteria provided, single submitter (1 of 4 stars). 2 submissions from 2 submitters: Uncertain significance (1). 1 of the submissions does not count toward it. Last evaluated 2022-10-07.

Conditions:
Metaphyseal chondrodysplasia, McKusick type (CHH). Also called: Cartilage-Hair Hypoplasia (CHH); Cartilage-hair hypoplasia. Identifiers: Orphanet 175, MedGen C0220748, MONDO:0009595, OMIM 250250.
Anauxetic dysplasia. Identifiers: Orphanet 93347, MedGen C1846796, MONDO:0011773.

Allele frequency attached by ClinVar (database versions not stated): TOPMed 0.00014; ExAC 0.00046.
gnomAD v4.1: 35 of 699,102 alleles (0.005%); highest among the groups gnomAD compares: Middle Eastern, 0.036%; no homozygotes.

Submissions (2):

Labcorp Genetics (formerly Invitae), Labcorp
Classification: Uncertain significance for Anauxetic dysplasia. Last evaluated: 2022-10-07. Review status: criteria provided, single submitter. Criteria: Invitae Variant Classification Sherloc (09022015). Collection method: clinical testing. Allele origin: germline.
Comment: This variant occurs in the RMRP gene, which encodes an RNA molecule that does not result in a protein product. This variant is present in population databases (rs769331218, gnomAD 0.04%). This variant has not been reported in the literature in individuals affected with RMRP-related conditions. ClinVar contains an entry for this variant (Variation ID: 574306). Experimental studies and prediction algorithms are not available or were not evaluated, and the functional significance of this variant is currently unknown. Algorithms developed to predict the effect of sequence changes on RNA splicing suggest that this variant may disrupt the consensus splice site. In summary, the available evidence is currently insufficient to determine the role of this variant in disease. Therefore, it has been classified as a Variant of Uncertain Significance.

Natera, Inc.
Classification: Uncertain significance for Cartilage-hair hypoplasia. Last evaluated: 2019-11-11. Review status: no assertion criteria provided. Collection method: clinical testing. Allele origin: germline. Not counted in ClinVar's aggregate classification.

NR_003051.4(RMRP):n.115C>G

Gene: RMRP (RNA component of mitochondrial RNA processing endoribonuclease; minus strand). Cytogenetic location: 9p13.3.
Variant type: single nucleotide variant.
Genome position: GRCh38 VCF-style: chr9-35657905-G-C. GRCh37 (hg19) VCF-style: chr9-35657902-G-C.
Identifiers: ClinVar variation 574306 (VCV000574306.4), dbSNP rs769331218, ClinGen allele CA5045843.
Genomic context (GRCh38, chr9:35,657,905, plus strand): 5'-CGCCGCTCAGCGGGATACGCTTCTTGGCGGACTTTGGAGTGGGAAGCGGGGAATGTCTAC[G>C]TGCGTATGCACGTGGCACTCTCTGCCCGAGGTCCGGGGACTTTCCCCTAGGCGGAAAGGG-3'